The following is an entry in ClinVar:

ClinVar aggregate classification (germline): Uncertain significance (1 of 4 stars; one submission).

Submission:

Labcorp Genetics (formerly Invitae), Labcorp
Classification: Uncertain significance. Last evaluated: 2024-04-01. Review status: criteria provided, single submitter. Criteria: Invitae Variant Classification Sherloc (09022015). Collection method: clinical testing. Allele origin: germline.
Comment: This sequence change replaces threonine, which is neutral and polar, with alanine, which is neutral and non-polar, at codon 2116 of the POLE protein (p.Thr2116Ala). This variant is not present in population databases (gnomAD no frequency). This variant has not been reported in the literature in individuals affected with POLE-related conditions. Advanced modeling of protein sequence and biophysical properties (such as structural, functional, and spatial information, amino acid conservation, physicochemical variation, residue mobility, and thermodynamic stability) performed at Invitae indicates that this missense variant is not expected to disrupt POLE protein function with a negative predictive value of 80%. In summary, the available evidence is currently insufficient to determine the role of this variant in disease. Therefore, it has been classified as a Variant of Uncertain Significance.

NM_006231.4(POLE):c.6346A>G (p.Thr2116Ala)

Gene: POLE (DNA polymerase epsilon, catalytic subunit; minus strand). Cytogenetic location: 12q24.33.
Variant type: single nucleotide variant.
Coding change: c.6346A>G on transcript NM_006231.4 (MANE Select); coding-DNA position 6346, A replaced by G.
Protein change: p.Thr2116Ala; replaces threonine 2116 with alanine.
Molecular consequence: missense variant.
Genome position (GRCh38, 1-based): chr12:132,626,302, T>C on the plus strand (A>G on the coding strand, the complement: POLE is on the minus strand). VCF-style: chr12-132626302-T-C. GRCh37 (hg19) VCF-style: chr12-133202888-T-C.
Other names: short protein forms T2116A.
Identifiers: ClinVar variation 2696042 (VCV002696042.3), dbSNP rs1035102321, ClinGen allele CA387367879.